The following is an entry in ClinVar:

ClinVar aggregate classification (germline): Uncertain significance (1 of 4 stars; one submission).

Submission:

Labcorp Genetics (formerly Invitae), Labcorp
Classification: Uncertain significance. Last evaluated: 2022-05-10. Review status: criteria provided, single submitter. Criteria: Invitae Variant Classification Sherloc (09022015). Collection method: clinical testing. Allele origin: germline.
Comment: This variant, c.972_974del, results in the deletion of 1 amino acid(s) of the FREM1 protein (p.Glu324del), but otherwise preserves the integrity of the reading frame. This variant is present in population databases (rs781711551, gnomAD 0.004%). This variant has not been reported in the literature in individuals affected with FREM1-related conditions. Experimental studies and prediction algorithms are not available or were not evaluated, and the functional significance of this variant is currently unknown. In summary, the available evidence is currently insufficient to determine the role of this variant in disease. Therefore, it has been classified as a Variant of Uncertain Significance.

NM_001379081.2(FREM1):c.969AGA[1] (p.Glu324del)

Gene: FREM1 (FRAS1 related extracellular matrix 1; minus strand). Cytogenetic location: 9p22.3.
Variant type: Microsatellite.
Coding change: c.969AGA[1] on transcript NM_001379081.2 (MANE Select); one copy of the 3-base unit AGA starting at c.969; the reference has two copies in a row; one copy, 3 bases deleted.
Protein change: p.Glu324del; deletes glutamic acid 324.
Molecular consequence: inframe deletion. On other transcripts: non-coding transcript variant (4).
Genome position (GRCh38, 1-based): chr9:14,851,462-14,851,464, TCT deleted on the plus strand (AGA on the coding strand, the reverse complement: FREM1 is on the minus strand); deleting any 3 consecutive bases within chr9:14,851,462-14,851,469 gives the same sequence; the position shown is the placement nearest the transcript's 3' end. VCF-style (leftmost placement, unchanged base first): chr9-14851461-ATCT-A. GRCh37 (hg19) VCF-style: chr9-14851459-ATCT-A.
Other names: c.996AGA[1], p.Glu333del (NM_001370060.1); c.969AGA[1], p.Glu324del (NM_001370063.1, NM_001370065.1, NM_144966.7); short protein forms E324del, E333del.
Identifiers: ClinVar variation 2052277 (VCV002052277.4), dbSNP rs781711551, ClinGen allele CA4991404.